The following is an entry in ClinVar:

ClinVar aggregate classification (germline): Pathogenic (1 of 4 stars; one submission).

Allele frequency attached by ClinVar (database versions not stated): gnomAD exomes 0.00001; ExAC 0.00003; gnomAD 0.00003 and 0.00004; TOPMed 0.00003.
gnomAD v4.1: 11 of 1,600,806 alleles (0.00069%); highest among the groups gnomAD compares: African/African-American, 0.0054%; no homozygotes.

Submission:

Labcorp Genetics (formerly Invitae), Labcorp
Classification: Pathogenic. Last evaluated: 2024-01-24. Review status: criteria provided, single submitter. Criteria: Invitae Variant Classification Sherloc (09022015). Collection method: clinical testing. Allele origin: germline.
Comment: This sequence change creates a premature translational stop signal (p.Arg1112*) in the PTPN23 gene. It is expected to result in an absent or disrupted protein product. Loss-of-function variants in PTPN23 are known to be pathogenic (PMID: 29090338, 29899372). The frequency data for this variant in the population databases is considered unreliable, as metrics indicate poor data quality at this position in the gnomAD database. This variant has not been reported in the literature in individuals affected with PTPN23-related conditions. ClinVar contains an entry for this variant (Variation ID: 1488121). For these reasons, this variant has been classified as Pathogenic.

Literature cited by the submitters: PubMed 29090338; PubMed 29899372.

NM_015466.4(PTPN23):c.3334C>T (p.Arg1112Ter)

Gene: PTPN23 (protein tyrosine phosphatase non-receptor type 23; plus strand). Cytogenetic location: 3p21.31.
Variant type: single nucleotide variant.
Coding change: c.3334C>T on transcript NM_015466.4 (MANE Select); coding-DNA position 3334, C replaced by T.
Protein change: p.Arg1112Ter; replaces arginine 1112 with a stop codon.
Molecular consequence: nonsense.
Genome position (GRCh38, 1-based): chr3:47,411,132, C>T. VCF-style: chr3-47411132-C-T. GRCh37 (hg19) VCF-style: chr3-47452622-C-T.
Other names: c.2956C>T, p.Arg986Ter (NM_001304482.2); short protein forms R986*, R1112*.
Identifiers: ClinVar variation 1488121 (VCV001488121.6), dbSNP rs775550926, ClinGen allele CA2366255.